The following is an entry in ClinVar:

NM_000264.5(PTCH1):c.4259G>A (p.Cys1420Tyr)

Gene: PTCH1 (patched 1; minus strand). Cytogenetic location: 9q22.32.
Variant type: single nucleotide variant.
Coding change: c.4259G>A on transcript NM_000264.5 (MANE Select); coding-DNA position 4259, G replaced by A.
Protein change: p.Cys1420Tyr; replaces cysteine 1420 with tyrosine.
Molecular consequence: missense variant. On other transcripts: non-coding transcript variant (1).
Genome position (GRCh38, 1-based): chr9:95,446,997, C>T on the plus strand (G>A on the coding strand, the complement: PTCH1 is on the minus strand). VCF-style: chr9-95446997-C-T. GRCh37 (hg19) VCF-style: chr9-98209279-C-T.
Other names: c.3806G>A, p.Cys1269Tyr (NM_001083604.3, NM_001083605.3, NM_001083606.3 and 1 more transcripts); c.4061G>A, p.Cys1354Tyr (NM_001083602.3); c.4256G>A, p.Cys1419Tyr (NM_001083603.3); c.4103G>A, p.Cys1368Tyr (NM_001354918.2); short protein forms C1269Y, C1354Y, C1368Y, C1419Y, C1420Y.
Identifiers: ClinVar variation 1051822 (VCV001051822.12), dbSNP rs913816675, ClinGen allele CA196557391.
Genomic context (GRCh38, chr9:95,446,997, plus strand): 5'-CTCTCCTCGCATTCCACGTCCTGCAGCTCAATGACTTCCACCTTCGAATCCCTCCTCTCA[C>T]ACCGGACGTGGAAAGGCACGTGGGGGTCCTCAAACAGGCCGTGGTCAGTCTCAGGGTAGC-3'
Protein context (NP_000255.2, residues 1410-1430): EDPHVPFHVR[Cys1420Tyr]ERRDSKVEVI

ClinVar aggregate classification (germline): Uncertain significance. Review status: criteria provided, multiple submitters, no conflicts (2 of 4 stars). 2 submissions from 2 submitters: Uncertain significance (2). Last evaluated 2025-01-20.

Conditions:
Hereditary cancer-predisposing syndrome. Also called: Hereditary Cancer Syndrome; Tumor predisposition; Hereditary neoplastic syndrome; Neoplastic Syndromes, Hereditary. Identifiers: Orphanet 140162, MedGen C0027672, MeSH D009386, MONDO:0015356.
Gorlin syndrome. Also called: Nevoid Basal Cell Carcinoma Syndrome; Basal cell nevus syndrome. Identifiers: Orphanet 377, MedGen C0004779, MONDO:0007187.

Allele frequency attached by ClinVar (database versions not stated): gnomAD exomes below 0.00001; TOPMed 0.00001.
gnomAD v4.1: 3 of 1,614,226 alleles (0.00019%); highest among the groups gnomAD compares: African/African-American, 0.004%; no homozygotes.

Submissions (2):

Ambry Genetics
Classification: Uncertain significance for Hereditary cancer-predisposing syndrome. Last evaluated: 2025-01-20. Review status: criteria provided, single submitter. Criteria: Ambry Variant Classification Scheme 2023. Collection method: clinical testing. Allele origin: germline.
Comment: The p.C1420Y variant (also known as c.4259G>A), located in coding exon 23 of the PTCH1 gene, results from a G to A substitution at nucleotide position 4259. The cysteine at codon 1420 is replaced by tyrosine, an amino acid with highly dissimilar properties. This amino acid position is not well conserved in available vertebrate species. In addition, this alteration is predicted to be tolerated by in silico analysis. Based on the available evidence, the clinical significance of this variant remains unclear.

Labcorp Genetics (formerly Invitae), Labcorp
Classification: Uncertain significance for Gorlin syndrome. Last evaluated: 2023-11-01. Review status: criteria provided, single submitter. Criteria: Invitae Variant Classification Sherloc (09022015). Collection method: clinical testing. Allele origin: germline.
Comment: This sequence change replaces cysteine, which is neutral and slightly polar, with tyrosine, which is neutral and polar, at codon 1420 of the PTCH1 protein (p.Cys1420Tyr). This variant is not present in population databases (gnomAD no frequency). This variant has not been reported in the literature in individuals affected with PTCH1-related conditions. ClinVar contains an entry for this variant (Variation ID: 1051822). Advanced modeling of protein sequence and biophysical properties (such as structural, functional, and spatial information, amino acid conservation, physicochemical variation, residue mobility, and thermodynamic stability) performed at Invitae indicates that this missense variant is not expected to disrupt PTCH1 protein function with a negative predictive value of 95%. In summary, the available evidence is currently insufficient to determine the role of this variant in disease. Therefore, it has been classified as a Variant of Uncertain Significance.